The following is an entry in ClinVar:

ClinVar aggregate classification (germline): Likely benign. Review status: criteria provided, single submitter (1 of 4 stars). 2 submissions from 2 submitters: Likely benign (1). 1 of the submissions does not count toward it. Last evaluated 2023-06-27.

Conditions:
EVC2-related disorder. Also called: EVC2-related condition.
Ellis-van Creveld syndrome (EVC). Also called: MESOECTODERMAL DYSPLASIA; EVC-Related Ellis-van Creveld Syndrome; EVC2-Related Ellis-van Creveld Syndrome; Chondroectodermal dysplasia. Identifiers: Orphanet 289, MedGen C0013903, MONDO:0009162, OMIM 225500.
Curry-Hall syndrome (WAD). Also called: WEYERS ACRODENTAL DYSOSTOSIS. Identifiers: Orphanet 952, MedGen C0457013, MONDO:0008673, OMIM 193530.

Allele frequency attached by ClinVar (database versions not stated): gnomAD exomes 0.00001; ExAC 0.00041.
gnomAD v4.1: 4 of 1,471,448 alleles (0.00027%); highest among the groups gnomAD compares: South Asian, 0.0053%; no homozygotes.

Submissions (2):

Labcorp Genetics (formerly Invitae), Labcorp
Classification: Likely benign for Curry-Hall syndrome; Ellis-van Creveld syndrome. Last evaluated: 2023-06-27. Review status: criteria provided, single submitter. Criteria: Invitae Variant Classification Sherloc (09022015). Collection method: clinical testing. Allele origin: germline.

PreventionGenetics, part of Exact Sciences
Classification: Likely benign for EVC2-related condition. Last evaluated: 2023-04-13. Review status: no assertion criteria provided. Collection method: clinical testing. Allele origin: germline. Not counted in ClinVar's aggregate classification.
Comment: This variant is classified as likely benign based on ACMG/AMP sequence variant interpretation guidelines (Richards et al. 2015 PMID: 25741868, with internal and published modifications).

NM_147127.5(EVC2):c.180G>C (p.Leu60=)

Gene: EVC2 (EvC ciliary complex subunit 2; minus strand). Cytogenetic location: 4p16.2.
Variant type: single nucleotide variant.
Coding change: c.180G>C on transcript NM_147127.5 (MANE Select); coding-DNA position 180, G replaced by C.
Protein change: p.Leu60=; no amino-acid change (leucine 60 retained).
Molecular consequence: synonymous variant. On other transcripts: intron variant (1).
Genome position (GRCh38, 1-based): chr4:5,708,334, C>G on the plus strand (G>C on the coding strand, the complement: EVC2 is on the minus strand). VCF-style: chr4-5708334-C-G. GRCh37 (hg19) VCF-style: chr4-5710061-C-G.
Other names: c.180G>C (NM_147127.4); c.-13+495G>C (NM_001166136.2).
Identifiers: ClinVar variation 1142030 (VCV001142030.12), dbSNP rs746557117, ClinGen allele CA2835552.